The following is an entry in ClinVar:

NM_004431.5(EPHA2):c.1284T>A (p.Arg428=)

Gene: EPHA2 (EPH receptor A2; minus strand). Cytogenetic location: 1p36.13.
Variant type: single nucleotide variant.
Coding change: c.1284T>A on transcript NM_004431.5 (MANE Select); coding-DNA position 1284, T replaced by A.
Protein change: p.Arg428=; no amino-acid change (arginine 428 retained).
Molecular consequence: synonymous variant.
Genome position (GRCh38, 1-based): chr1:16,137,881, A>T on the plus strand (T>A on the coding strand, the complement: EPHA2 is on the minus strand). VCF-style: chr1-16137881-A-T. GRCh37 (hg19) VCF-style: chr1-16464376-A-T.
Other names: c.1284T>A (NM_004431.4); c.1122T>A, p.Arg374= (NM_001329090.2).
Identifiers: ClinVar variation 3717848 (VCV003717848.3).

ClinVar aggregate classification (germline): Benign/Likely benign. Review status: criteria provided, multiple submitters, no conflicts (2 of 4 stars). 2 submissions from 2 submitters: Benign (1); Likely benign (1). Last evaluated 2025-09-15.

Conditions:
EPHA2-related disorder. Also called: EPHA2-related condition.
Cataract 6 multiple types. Also called: CATARACT, AGE-RELATED CORTICAL, 2; CATARACT 6, POSTERIOR POLAR; CATARACT 6, CONGENITAL TOTAL. Identifiers: Orphanet 91492, MedGen C1861825, MONDO:0007288, OMIM 116600.

gnomAD v4.1: 253 of 1,613,910 alleles (0.016%); highest among the groups gnomAD compares: African/African-American, 0.31%; 1 homozygote.

Submissions (2):

Labcorp Genetics (formerly Invitae), Labcorp
Classification: Benign for Cataract 6 multiple types. Last evaluated: 2025-09-15. Review status: criteria provided, single submitter. Criteria: Invitae Variant Classification Sherloc (09022015). Collection method: clinical testing. Allele origin: germline.

PreventionGenetics, part of Exact Sciences
Classification: Likely benign for EPHA2-related condition. Last evaluated: 2025-05-30. Review status: criteria provided, single submitter. Criteria: ACMG Guidelines, 2015. Collection method: clinical testing. Allele origin: germline.
Comment: This variant is classified as likely benign based on ACMG/AMP sequence variant interpretation guidelines (Richards et al. 2015 PMID: 25741868, with internal and published modifications).